The following is an entry in ClinVar:

NM_199420.4(POLQ):c.6852A>C (p.Lys2284Asn)

Gene: POLQ (DNA polymerase theta; minus strand). Cytogenetic location: 3q13.33.
Variant type: single nucleotide variant.
Coding change: c.6852A>C on transcript NM_199420.4 (MANE Select); coding-DNA position 6852, A replaced by C.
Protein change: p.Lys2284Asn; replaces lysine 2284 with asparagine.
Molecular consequence: missense variant.
Genome position (GRCh38, 1-based): chr3:121,467,634, T>G on the plus strand (A>C on the coding strand, the complement: POLQ is on the minus strand). VCF-style: chr3-121467634-T-G. GRCh37 (hg19) VCF-style: chr3-121186481-T-G.
Other names: short protein forms K2284N.
Identifiers: ClinVar variation 1755801 (VCV001755801.3), dbSNP rs2546770233, ClinGen allele CA354110870.

ClinVar aggregate classification (germline): Uncertain significance (1 of 4 stars; one submission).

Submission:

Ambry Genetics
Classification: Uncertain significance. Last evaluated: 2024-06-09. Review status: criteria provided, single submitter. Criteria: Ambry Variant Classification Scheme 2023. Collection method: clinical testing. Allele origin: germline.
Comment: The p.K2284N variant (also known as c.6852A>C), located in coding exon 24 of the POLQ gene, results from an A to C substitution at nucleotide position 6852. The lysine at codon 2284 is replaced by asparagine, an amino acid with similar properties. This amino acid position is conserved. In addition, this alteration is predicted to be tolerated by in silico analysis. Since supporting evidence is limited at this time, the clinical significance of this alteration remains unclear.